The following is an entry in ClinVar:

NM_006035.4(CDC42BPB):c.1844T>C (p.Met615Thr)

Gene: CDC42BPB (CDC42 binding protein kinase beta; minus strand). Cytogenetic location: 14q32.32.
Variant type: single nucleotide variant.
Coding change: c.1844T>C on transcript NM_006035.4 (MANE Select); coding-DNA position 1844, T replaced by C.
Protein change: p.Met615Thr; replaces methionine 615 with threonine.
Molecular consequence: missense variant.
Genome position (GRCh38, 1-based): chr14:102,971,959, A>G on the plus strand (T>C on the coding strand, the complement: CDC42BPB is on the minus strand). VCF-style: chr14-102971959-A-G. GRCh37 (hg19) VCF-style: chr14-103438296-A-G.
Other names: c.1844T>C, p.Met615Thr (NM_001411054.1); short protein forms M615T.
Identifiers: ClinVar variation 3346751 (VCV003346751.1).

ClinVar aggregate classification (germline): Uncertain significance (0 of 4 stars; one submission).

Conditions:
CDC42BPB-related disorder.

gnomAD v4.1: 1 of 1,614,220 alleles (0.000062%); highest among the groups gnomAD compares: Non-Finnish European, 0.000085%; no homozygotes.

Submission:

PreventionGenetics, part of Exact Sciences
Classification: Uncertain significance for CDC42BPB-related condition. Last evaluated: 2024-05-23. Review status: no assertion criteria provided. Collection method: clinical testing. Allele origin: germline.
Comment: The CDC42BPB c.1844T>C variant is predicted to result in the amino acid substitution p.Met615Thr. To our knowledge, this variant has not been reported in the literature or in a large population database, indicating this variant is rare. A different nucleotide substitution affecting the same amino acid (p.Met615Val) has been reported de novo in at least one individual with autism (Supplementary Table 1, Kaplanis et al. 2020. PubMed ID: 33057194; Supplementary Data 3, Zhou et al. 2022. PubMed ID: 35982159). At this time, the clinical significance of the c.1844T>C (p.Met615Thr) variant is uncertain due to the absence of conclusive functional and genetic evidence.